The following is an entry in ClinVar:

NM_032242.4(PLXNA1):c.2760C>T (p.Ile920=)

Gene: PLXNA1 (plexin A1; plus strand). Cytogenetic location: 3q21.3.
Variant type: single nucleotide variant.
Coding change: c.2760C>T on transcript NM_032242.4 (MANE Select); coding-DNA position 2760, C replaced by T.
Protein change: p.Ile920=; no amino-acid change (isoleucine 920 retained).
Molecular consequence: synonymous variant.
Genome position (GRCh38, 1-based): chr3:127,014,714, C>T. VCF-style: chr3-127014714-C-T. GRCh37 (hg19) VCF-style: chr3-126733557-C-T.
Identifiers: ClinVar variation 3354686 (VCV003354686.1).

ClinVar aggregate classification (germline): Likely benign (0 of 4 stars; one submission).

Conditions:
PLXNA1-related disorder. Also called: PLXNA1-related condition.

Submission:

PreventionGenetics, part of Exact Sciences
Classification: Likely benign for PLXNA1-related condition. Last evaluated: 2021-11-24. Review status: no assertion criteria provided. Collection method: clinical testing. Allele origin: germline.
Comment: This variant is classified as likely benign based on ACMG/AMP sequence variant interpretation guidelines (Richards et al. 2015 PMID: 25741868, with internal and published modifications).